The following is an entry in ClinVar:

ClinVar aggregate classification (germline): Uncertain significance (1 of 4 stars; one submission).

Conditions:
Intellectual developmental disorder, autosomal dominant 1. Also called: MBD5 Haploinsufficiency; Intellectual disability, autosomal dominant 1. Identifiers: Orphanet 228402, MedGen C1969562, MONDO:0007974, OMIM 156200.

Submission:

Labcorp Genetics (formerly Invitae), Labcorp
Classification: Uncertain significance for Intellectual developmental disorder, autosomal dominant 1. Last evaluated: 2024-06-07. Review status: criteria provided, single submitter. Criteria: Invitae Variant Classification Sherloc (09022015). Collection method: clinical testing. Allele origin: germline.
Comment: This sequence change replaces glycine, which is neutral and non-polar, with alanine, which is neutral and non-polar, at codon 610 of the MBD5 protein (p.Gly610Ala). This variant is not present in population databases (gnomAD no frequency). This variant has not been reported in the literature in individuals affected with MBD5-related conditions. Advanced modeling of protein sequence and biophysical properties (such as structural, functional, and spatial information, amino acid conservation, physicochemical variation, residue mobility, and thermodynamic stability) performed at Invitae indicates that this missense variant is not expected to disrupt MBD5 protein function with a negative predictive value of 80%. In summary, the available evidence is currently insufficient to determine the role of this variant in disease. Therefore, it has been classified as a Variant of Uncertain Significance.

NM_001378120.1(MBD5):c.1829G>C (p.Gly610Ala)

Gene: MBD5 (methyl-CpG binding domain protein 5; plus strand). Cytogenetic location: 2q23.1.
Variant type: single nucleotide variant.
Coding change: c.1829G>C on transcript NM_001378120.1 (MANE Select); coding-DNA position 1829, G replaced by C.
Protein change: p.Gly610Ala; replaces glycine 610 with alanine.
Molecular consequence: missense variant.
Genome position (GRCh38, 1-based): chr2:148,469,772, G>C. VCF-style: chr2-148469772-G-C. GRCh37 (hg19) VCF-style: chr2-149227341-G-C.
Other names: c.1829G>C, p.Gly610Ala (NM_018328.5); short protein forms G610A.
Identifiers: ClinVar variation 3631181 (VCV003631181.2).